The following is an entry in ClinVar:

ClinVar aggregate classification (germline): Likely benign (0 of 4 stars; one submission).

Conditions:
NBEAL2-related disorder. Also called: NBEAL2-related condition.

Allele frequency attached by ClinVar (database versions not stated): ExAC 0.00003; gnomAD 0.00003; TOPMed 0.00007; gnomAD exomes 0.00019.
gnomAD v4.1: 271 of 1,612,324 alleles (0.017%); highest among the groups gnomAD compares: Non-Finnish European, 0.023%; no homozygotes.

Submission:

PreventionGenetics, part of Exact Sciences
Classification: Likely benign for NBEAL2-related condition. Last evaluated: 2024-02-08. Review status: no assertion criteria provided. Collection method: clinical testing. Allele origin: germline.
Comment: This variant is classified as likely benign based on ACMG/AMP sequence variant interpretation guidelines (Richards et al. 2015 PMID: 25741868, with internal and published modifications).

NM_015175.3(NBEAL2):c.4362G>A (p.Thr1454=)

Gene: NBEAL2 (neurobeachin like 2; plus strand). Cytogenetic location: 3p21.31.
Variant type: single nucleotide variant.
Coding change: c.4362G>A on transcript NM_015175.3 (MANE Select); coding-DNA position 4362, G replaced by A.
Protein change: p.Thr1454=; no amino-acid change (threonine 1454 retained).
Molecular consequence: synonymous variant.
Genome position (GRCh38, 1-based): chr3:47,001,057, G>A. VCF-style: chr3-47001057-G-A. GRCh37 (hg19) VCF-style: chr3-47042547-G-A.
Other names: c.4260G>A, p.Thr1420= (NM_001365116.2).
Identifiers: ClinVar variation 3045974 (VCV003045974.2), dbSNP rs776692605, ClinGen allele CA2361226.